The following is an entry in ClinVar:

ClinVar aggregate classification (germline): Pathogenic (1 of 4 stars; one submission).

Submission:

Labcorp Genetics (formerly Invitae), Labcorp
Classification: Pathogenic. Last evaluated: 2023-06-14. Review status: criteria provided, single submitter. Criteria: Invitae Variant Classification Sherloc (09022015). Collection method: clinical testing. Allele origin: germline.
Comment: This sequence change creates a premature translational stop signal (p.Gln221Argfs*12) in the HNF1A gene. It is expected to result in an absent or disrupted protein product. Loss-of-function variants in HNF1A are known to be pathogenic (PMID: 15928245, 18003757). For these reasons, this variant has been classified as Pathogenic. Algorithms developed to predict the effect of sequence changes on RNA splicing suggest that this variant may disrupt the consensus splice site. This variant has not been reported in the literature in individuals affected with HNF1A-related conditions. This variant is not present in population databases (gnomAD no frequency).

Literature cited by the submitters: PubMed 15928245; PubMed 18003757.

NM_000545.8(HNF1A):c.662del (p.Gln221fs)

Gene: HNF1A (HNF1 homeobox A; plus strand). Cytogenetic location: 12q24.31.
Variant type: Deletion.
Coding change: c.662del on transcript NM_000545.8 (MANE Select); coding-DNA position 662, one base deleted (A; older notation c.662delA).
Protein change: p.Gln221fs; shifts the reading frame from glutamine 221.
Molecular consequence: frameshift variant.
Genome position (GRCh38, 1-based): chr12:120,993,655, A deleted. VCF-style (leftmost placement, unchanged base first): chr12-120993654-CA-C. GRCh37 (hg19) VCF-style: chr12-121431457-CA-C.
Other names: c.662del, p.Gln221fs (NM_001306179.2, NM_001406915.1); short protein forms Q221fs.
Identifiers: ClinVar variation 2714831 (VCV002714831.3), dbSNP rs2499995613, ClinGen allele CA2697551550.